The following is an entry in ClinVar:

ClinVar aggregate classification (germline): Pathogenic (1 of 4 stars; one submission).

Conditions:
Mucopolysaccharidosis, MPS-II (MPS2). Also called: Hunter Syndrome; IDURONATE 2-SULFATASE DEFICIENCY; Mucopolysaccharidosis Type II; Mucopolysaccharidosis type 2; Attenuated MPS (subtype; formerly known as mild MPS II); Severe MPS II. Identifiers: Orphanet 580, Orphanet 79388, MedGen C0026705, MONDO:0010674, OMIM 309900.

Submission:

Laboratory of Diagnosis and Therapy of Lysosomal Disorders, University of Padova
Classification: Pathogenic for Mucopolysaccharidosis, MPS-II. Last evaluated: 2024-06-07. Review status: criteria provided, single submitter. Criteria: ACMG Guidelines, 2015. Collection method: literature only. Allele origin: germline. Affected: yes. Observed: 2 variant alleles.
Comment: In vitro or in vivo functional studies supportive of a damaging effect (PS3_Strong), Absent from controls (or at low frequency) in gnomAD database (PM2_Moderate), Missense variant in a gene with a low rate of benign missense variation (PP2_Supporting), Multiple lines of computational evidence support a deleterious effect (PP3_Supporting), Patient’s phenotype or family history highly specific for the disease (PP4_Strong)

Classification method: ACMG Guidelines [PMID:25741868] with modifications

Literature cited by the submitters: PubMed 34813777; PubMed 30639582.

NM_000202.8(IDS):c.457T>C (p.Trp153Arg)

Genes: IDS (iduronate 2-sulfatase; minus strand), LOC106050102 (IDS recombination region; plus strand). Cytogenetic location: Xq28.
Variant type: single nucleotide variant.
Coding change: c.457T>C on transcript NM_000202.8 (MANE Select); coding-DNA position 457, T replaced by C.
Protein change: p.Trp153Arg; replaces tryptophan 153 with arginine.
Molecular consequence: missense variant. On other transcripts: non-coding transcript variant (1).
Genome position (GRCh38, 1-based): chrX:149,500,999, A>G on the plus strand (T>C on the coding strand, the complement: IDS is on the minus strand). VCF-style: chrX-149500999-A-G. GRCh37 (hg19) VCF-style: chrX-148582530-A-G.
Other names: c.187T>C, p.Trp63Arg (NM_001166550.4); c.457T>C, p.Trp153Arg (NM_006123.5); short protein forms W153R, W63R.
Identifiers: ClinVar variation 3255741 (VCV003255741.2).